The following is an entry in ClinVar:

NM_001159773.2(CANT1):c.486del (p.Arg163fs)

Gene: CANT1 (calcium activated nucleotidase 1; minus strand). Cytogenetic location: 17q25.3.
Variant type: Deletion.
Coding change: c.486del on transcript NM_001159773.2 (MANE Select); coding-DNA position 486, one base deleted (G; older notation c.486delG).
Protein change: p.Arg163fs; shifts the reading frame from arginine 163.
Molecular consequence: frameshift variant.
Genome position (GRCh38, 1-based): chr17:78,997,137, C deleted on the plus strand (G on the coding strand, the reverse complement: CANT1 is on the minus strand); the first of 4 consecutive C bases (chr17:78,997,137-78,997,140); deleting any one gives the same sequence. VCF-style (leftmost placement, unchanged base first): chr17-78997136-TC-T. GRCh37 (hg19) VCF-style: chr17-76993218-TC-T.
Other names: c.486del, p.Arg163fs (NM_001159772.2, NM_138793.4); short protein forms R163fs.
Identifiers: ClinVar variation 2747171 (VCV002747171.3), dbSNP rs2509812559, ClinGen allele CA2697555213.
Genomic context (GRCh38, chr17:78,997,136, plus strand): 5'-GGTCATCCACGGAGTAGAGTTTCCCATTGAAAACAATCAGGTCGGATAGCTCCATGCCTC[TC>T]CCCTTCTCCGCCAGGTGGGACTCCAGGACCCCATGGTCTTTGTCCCATTCCACGGCCACC-3'

ClinVar aggregate classification (germline): Pathogenic (1 of 4 stars; one submission).

Submission:

Labcorp Genetics (formerly Invitae), Labcorp
Classification: Pathogenic. Last evaluated: 2023-07-26. Review status: criteria provided, single submitter. Criteria: Invitae Variant Classification Sherloc (09022015). Collection method: clinical testing. Allele origin: germline.
Comment: This variant is not present in population databases (gnomAD no frequency). This sequence change creates a premature translational stop signal (p.Arg163Glufs*8) in the CANT1 gene. It is expected to result in an absent or disrupted protein product. Loss-of-function variants in CANT1 are known to be pathogenic (PMID: 19853239, 21037275, 22539336). This variant has not been reported in the literature in individuals affected with CANT1-related conditions. For these reasons, this variant has been classified as Pathogenic.

Literature cited by the submitters: PubMed 19853239; PubMed 21037275; PubMed 22539336.